The following is an entry in ClinVar:

ClinVar aggregate classification (germline): Uncertain significance (1 of 4 stars; one submission).

Submission:

GeneDx
Classification: Uncertain significance. Last evaluated: 2023-04-07. Review status: criteria provided, single submitter. Criteria: GeneDx Variant Classification Process June 2021. Collection method: clinical testing. Allele origin: germline. Affected: yes.
Comment: Not observed at significant frequency in large population cohorts (gnomAD); In silico analysis supports that this missense variant has a deleterious effect on protein structure/function; Has not been previously published as pathogenic or benign to our knowledge

NM_016824.5(ADD3):c.253C>A (p.Pro85Thr)

Gene: ADD3 (adducin 3; plus strand). Cytogenetic location: 10q25.2.
Variant type: single nucleotide variant.
Coding change: c.253C>A on transcript NM_016824.5 (MANE Select); coding-DNA position 253, C replaced by A.
Protein change: p.Pro85Thr; replaces proline 85 with threonine.
Molecular consequence: missense variant.
Genome position (GRCh38, 1-based): chr10:110,112,834, C>A. VCF-style: chr10-110112834-C-A. GRCh37 (hg19) VCF-style: chr10-111872592-C-A.
Other names: c.253C>A, p.Pro85Thr (NM_001121.4, NM_001320591.2, NM_001320592.2 and 2 more transcripts); c.19C>A, p.Pro7Thr (NM_001320594.2); short protein forms P7T, P85T.
Identifiers: ClinVar variation 3342942 (VCV003342942.1).
Genomic context (GRCh38, chr10:110,112,834, plus strand): 5'-CAGGCCTTTCGGGAAGACTTGGAATGCCTTATTCAAGAACAGATGAAGAAAGGCCACAAC[C>A]CAACTGGATTACTAGCATTACAGCAGATTGCAGATTACATCATGGCCAATTCTTTCTCGG-3'
Protein context (NP_058432.1, residues 75-95): IQEQMKKGHN[Pro85Thr]TGLLALQQIA